The following is an entry in ClinVar:

ClinVar aggregate classification (germline): Benign/Likely benign. Review status: criteria provided, multiple submitters, no conflicts (2 of 4 stars). 2 submissions from 2 submitters: Benign (1); Likely benign (1). Last evaluated 2024-08-01.

Conditions:
Familial adenomatous polyposis 1 (FAP1). Also called: POLYPOSIS, ADENOMATOUS INTESTINAL; FAMILIAL ADENOMATOUS POLYPOSIS 1, ATTENUATED. Identifiers: MedGen C2713442, MONDO:0021056, OMIM 175100. Disease mechanism: loss of function.

Submissions (2):

Labcorp Genetics (formerly Invitae), Labcorp
Classification: Likely benign for Familial adenomatous polyposis 1. Last evaluated: 2024-08-01. Review status: criteria provided, single submitter. Criteria: Invitae Variant Classification Sherloc (09022015). Collection method: clinical testing. Allele origin: germline.

Myriad Genetics, Inc.
Classification: Benign for Familial adenomatous polyposis 1. Last evaluated: 2024-03-04. Review status: criteria provided, single submitter. Criteria: Myriad Autosomal Dominant, Autosomal Recessive and X-Linked Classification Criteria (2023). Collection method: clinical testing. Allele origin: unknown.
Comment: This variant is considered benign. This variant is a silent/synonymous amino acid change and it is not expected to impact splicing.

NM_000038.6(APC):c.1513T>C (p.Leu505=)

Gene: APC (APC regulator of Wnt signaling pathway; plus strand). Cytogenetic location: 5q22.2.
Variant type: single nucleotide variant.
Coding change: c.1513T>C on transcript NM_000038.6 (MANE Select); coding-DNA position 1513, T replaced by C.
Protein change: p.Leu505=; no amino-acid change (leucine 505 retained).
Molecular consequence: synonymous variant.
Genome position (GRCh38, 1-based): chr5:112,827,212, T>C. VCF-style: chr5-112827212-T-C. GRCh37 (hg19) VCF-style: chr5-112162909-T-C.
Other names: c.1513T>C, p.Leu505= (NM_001127510.3, NM_001354895.2, NM_001407450.1); c.1459T>C, p.Leu487= (NM_001127511.3); c.1567T>C, p.Leu523= (NM_001354896.2, NM_001407447.1, NM_001407448.1 and 1 more transcripts); c.1543T>C, p.Leu515= (NM_001354897.2); c.1438T>C, p.Leu480= (NM_001354898.2); c.1429T>C, p.Leu477= (NM_001354899.2); c.1390T>C, p.Leu464= (NM_001354900.2); c.1336T>C, p.Leu446= (NM_001354901.2, NM_001407453.1); and 11 more.
Identifiers: ClinVar variation 3148011 (VCV003148011.3), dbSNP rs2149810029, ClinGen allele CA445756086.
Genomic context (GRCh38, chr5:112,827,212, plus strand): 5'-ATGTATGGGCTTACTAATGACCACTACAGTATTACACTAAGACGATATGCTGGAATGGCT[T>C]TGACAAACTTGACTTTTGGAGATGTAGCCAACAAGGTATGTTTTTATAACATGTATTTCT-3'
Protein context (NP_000029.2, residues 495-515): ITLRRYAGMA[Leu505=]TNLTFGDVAN